The following is an entry in ClinVar:

ClinVar aggregate classification (germline): Conflicting classifications of pathogenicity. Review status: criteria provided, conflicting classifications (1 of 4 stars). 5 submissions from 5 submitters: Pathogenic (1); Uncertain significance (1); Benign (1); Likely benign (1). 1 of the submissions does not count toward it. Last evaluated 2025-07-29.

Conditions:
Ornithine carbamoyltransferase deficiency (OTCD). Also called: ORNITHINE TRANSCARBAMYLASE DEFICIENCY, HYPERAMMONEMIA DUE TO; ORNITHINE TRANSCARBAMYLASE DEFICIENCY; OTC DEFICIENCY; Ornithine Carbamoyltransferase Deficiency Disease. Identifiers: Orphanet 664, MedGen C0268542, MONDO:0010703, OMIM 311250.

Allele frequency attached by ClinVar (database versions not stated): TOPMed 0.00001; gnomAD 0.00002; gnomAD exomes 0.00005; ExAC 0.00007; 1000 Genomes Project 30x 0.00021; 1000 Genomes Project 0.00026.
gnomAD v4.1: 29 of 1,197,395 alleles (0.0024%); highest among the groups gnomAD compares: East Asian, 0.03%; no homozygotes.

Submissions (5):

Color Diagnostics, LLC DBA Color Health
Classification: Likely benign for Ornithine carbamoyltransferase deficiency. Last evaluated: 2025-07-29. Review status: criteria provided, single submitter. Criteria: ACMG Guidelines, 2015. Collection method: clinical testing. Allele origin: germline.

Labcorp Genetics (formerly Invitae), Labcorp
Classification: Benign for Ornithine carbamoyltransferase deficiency. Last evaluated: 2024-10-24. Review status: criteria provided, single submitter. Criteria: Invitae Variant Classification Sherloc (09022015). Collection method: clinical testing. Allele origin: germline.

Mendelics
Classification: Uncertain significance. Last evaluated: 2022-05-04. Review status: criteria provided, single submitter. Criteria: Mendelics Assertion Criteria 2019. Collection method: clinical testing. Allele origin: germline.

Equipe Genetique des Anomalies du Developpement, Université de Bourgogne
Classification: Pathogenic for Ornithine carbamoyltransferase deficiency. Last evaluated: 2019-08-09. Review status: criteria provided, single submitter. Criteria: ACMG Guidelines, 2015. Collection method: clinical testing. Allele origin: unknown. Affected: yes.

GenMed Metabolism Lab
Classification: Pathogenic. Review status: no assertion criteria provided. Collection method: not provided. Allele origin: unknown. Not counted in ClinVar's aggregate classification.
Comment: p.Gly50Arg, Late
ClinVar note: Converted during submission from pathogenic to Pathogenic.

NM_000531.6(OTC):c.148G>A (p.Gly50Arg)

Gene: OTC (ornithine transcarbamylase; plus strand). Cytogenetic location: Xp11.4.
Variant type: single nucleotide variant.
Coding change: c.148G>A on transcript NM_000531.6 (MANE Select); coding-DNA position 148, G replaced by A.
Protein change: p.Gly50Arg; replaces glycine 50 with arginine.
Molecular consequence: missense variant.
Genome position (GRCh38, 1-based): chrX:38,367,361, G>A. VCF-style: chrX-38367361-G-A. GRCh37 (hg19) VCF-style: chrX-38226614-G-A.
Other names: short protein forms G50R.
Identifiers: ClinVar variation 97117 (VCV000097117.10), dbSNP rs67486158, ClinGen allele CA224471.